The following is an entry in ClinVar:

NM_002439.5(MSH3):c.878A>G (p.His293Arg)

Gene: MSH3 (mutS homolog 3; plus strand). Cytogenetic location: 5q14.1.
Variant type: single nucleotide variant.
Coding change: c.878A>G on transcript NM_002439.5 (MANE Select); coding-DNA position 878, A replaced by G.
Protein change: p.His293Arg; replaces histidine 293 with arginine.
Molecular consequence: missense variant.
Genome position (GRCh38, 1-based): chr5:80,672,329, A>G. VCF-style: chr5-80672329-A-G. GRCh37 (hg19) VCF-style: chr5-79968148-A-G.
Other names: short protein forms H293R.
Identifiers: ClinVar variation 1409542 (VCV001409542.8), dbSNP rs2112813850, ClinGen allele CA360267236.

ClinVar aggregate classification (germline): Uncertain significance. Review status: criteria provided, multiple submitters, no conflicts (2 of 4 stars). 2 submissions from 2 submitters: Uncertain significance (2). Last evaluated 2024-06-05.

Conditions:
Hereditary cancer-predisposing syndrome. Also called: Hereditary Cancer Syndrome; Tumor predisposition; Hereditary neoplastic syndrome; Neoplastic Syndromes, Hereditary. Identifiers: Orphanet 140162, MedGen C0027672, MeSH D009386, MONDO:0015356.

Submissions (2):

Labcorp Genetics (formerly Invitae), Labcorp
Classification: Uncertain significance. Last evaluated: 2024-06-05. Review status: criteria provided, single submitter. Criteria: Invitae Variant Classification Sherloc (09022015). Collection method: clinical testing. Allele origin: germline.
Comment: This sequence change replaces histidine, which is basic and polar, with arginine, which is basic and polar, at codon 293 of the MSH3 protein (p.His293Arg). This variant is not present in population databases (gnomAD no frequency). This variant has not been reported in the literature in individuals affected with MSH3-related conditions. ClinVar contains an entry for this variant (Variation ID: 1409542). An algorithm developed to predict the effect of missense changes on protein structure and function (PolyPhen-2) suggests that this variant is likely to be disruptive. In summary, the available evidence is currently insufficient to determine the role of this variant in disease. Therefore, it has been classified as a Variant of Uncertain Significance.

Ambry Genetics
Classification: Uncertain significance for Hereditary cancer-predisposing syndrome. Last evaluated: 2020-10-01. Review status: criteria provided, single submitter. Criteria: Ambry Variant Classification Scheme 2023. Collection method: clinical testing. Allele origin: germline.
Comment: The p.H293R variant (also known as c.878A>G), located in coding exon 5 of the MSH3 gene, results from an A to G substitution at nucleotide position 878. The histidine at codon 293 is replaced by arginine, an amino acid with highly similar properties. This amino acid position is highly conserved in available vertebrate species. In addition, this alteration is predicted to be deleterious by in silico analysis. Since supporting evidence is limited at this time, the clinical significance of this alteration remains unclear.